The following is an entry in ClinVar:

ClinVar aggregate classification (germline): Benign. Review status: criteria provided, multiple submitters, no conflicts (2 of 4 stars). 3 submissions from 3 submitters: Benign (2). 1 of the submissions does not count toward it. Last evaluated 2018-12-24.

Conditions:
ADGRL2-related disorder. Also called: ADGRL2-related condition.

Allele frequency attached by ClinVar (database versions not stated): ExAC 0.00617; 1000 Genomes Project 0.01817; TOPMed 0.02143; ESP Exome Variant Server 0.02237; gnomAD exomes 0.00202 and 0.00528; 1000 Genomes Project 30x 0.02030; gnomAD 0.02081 and 0.01934.
gnomAD v4.1: 6,008 of 1,614,074 alleles (0.37%); highest among the groups gnomAD compares: African/African-American, 6.5%; 153 homozygotes.

Submissions (3):

Labcorp Genetics (formerly Invitae), Labcorp
Classification: Benign. Last evaluated: 2018-12-24. Review status: criteria provided, single submitter. Criteria: Invitae Variant Classification Sherloc (09022015). Collection method: clinical testing. Allele origin: germline.

Breakthrough Genomics
Classification: Benign. Review status: criteria provided, single submitter. Criteria: ACMG Guidelines, 2015. Collection method: not provided. Allele origin: germline. Inheritance: Unknown mechanism. Affected: yes.

PreventionGenetics, part of Exact Sciences
Classification: Likely benign for ADGRL2-related condition. Last evaluated: 2019-03-01. Review status: no assertion criteria provided. Collection method: clinical testing. Allele origin: germline. Not counted in ClinVar's aggregate classification.
Comment: This variant is classified as likely benign based on ACMG/AMP sequence variant interpretation guidelines (Richards et al. 2015 PMID: 25741868, with internal and published modifications).

NM_001366006.2(ADGRL2):c.3882G>A (p.Thr1294=)

Gene: ADGRL2 (adhesion G protein-coupled receptor L2; plus strand). Cytogenetic location: 1p31.1.
Variant type: single nucleotide variant.
Coding change: c.3882G>A on transcript NM_001366006.2 (MANE Select); coding-DNA position 3882, G replaced by A.
Protein change: p.Thr1294=; no amino-acid change (threonine 1294 retained).
Molecular consequence: synonymous variant. On other transcripts: 3 prime UTR variant (8), non-coding transcript variant (1).
Genome position (GRCh38, 1-based): chr1:81,990,617, G>A. VCF-style: chr1-81990617-G-A. GRCh37 (hg19) VCF-style: chr1-82456301-G-A.
Other names: c.3684G>A, p.Thr1228= (NM_001297704.3, NM_001366002.2, NM_001393351.1 and 2 more transcripts); c.*256G>A (NM_001297705.3); c.*215G>A (NM_001297706.3, NM_001366009.2, NM_001393353.1); c.3723G>A, p.Thr1241= (NM_001330645.3, NM_001393350.1); c.3864G>A, p.Thr1288= (NM_001350698.2, NM_001366003.2, NM_001366004.2 and 1 more transcripts); c.*274G>A (NM_001350699.2, NM_001393354.1); c.3882G>A, p.Thr1294= (NM_001366005.2); c.*242G>A (NM_001366007.2, NM_001366008.2); and 1 more.
Identifiers: ClinVar variation 784951 (VCV000784951.6), dbSNP rs61741047, ClinGen allele CA923194.